The following is an entry in ClinVar:

ClinVar aggregate classification (germline): Uncertain significance (1 of 4 stars; one submission).

Conditions:
Neuroblastoma, susceptibility to, 3. Also called: ALK-Related Neuroblastic Tumor Susceptibility. Identifiers: Orphanet 635, MedGen C2751681, MONDO:0013083, OMIM 613014.

Submission:

Labcorp Genetics (formerly Invitae), Labcorp
Classification: Uncertain significance for Neuroblastoma, susceptibility to, 3. Last evaluated: 2022-02-16. Review status: criteria provided, single submitter. Criteria: Invitae Variant Classification Sherloc (09022015). Collection method: clinical testing. Allele origin: germline.
Comment: This variant is not present in population databases (gnomAD no frequency). This sequence change affects an acceptor splice site in intron 22 of the ALK gene. It is expected to disrupt RNA splicing. Variants that disrupt the donor or acceptor splice site typically lead to a loss of protein function (PMID: 16199547), however the current clinical and genetic evidence is not sufficient to establish whether loss-of-function variants in ALK cause disease. This variant has not been reported in the literature in individuals affected with ALK-related conditions. In summary, the available evidence is currently insufficient to determine the role of this variant in disease. Therefore, it has been classified as a Variant of Uncertain Significance. Algorithms developed to predict the effect of sequence changes on RNA splicing suggest that this variant may disrupt the consensus splice site.

Literature cited by the submitters: PubMed 16199547.

NM_004304.5(ALK):c.3516-2A>C

Gene: ALK (ALK receptor tyrosine kinase; minus strand). Cytogenetic location: 2p23.2.
Variant type: single nucleotide variant.
Coding change: c.3516-2A>C on transcript NM_004304.5 (MANE Select); the canonical splice acceptor site of the intron before coding-DNA position 3516, A replaced by C.
Molecular consequence: splice acceptor variant.
Genome position (GRCh38, 1-based): chr2:29,220,837, T>G on the plus strand (A>C on the coding strand, the complement: ALK is on the minus strand). VCF-style: chr2-29220837-T-G. GRCh37 (hg19) VCF-style: chr2-29443703-T-G.
Other names: c.312-2A>C (NM_001353765.2).
Identifiers: ClinVar variation 2097811 (VCV002097811.4), dbSNP rs2465945967, ClinGen allele CA346473206.